The following is an entry in ClinVar:

ClinVar aggregate classification (germline): Conflicting classifications of pathogenicity. Review status: criteria provided, conflicting classifications (1 of 4 stars). 9 submissions from 9 submitters: Uncertain significance (4); Benign (1); Likely benign (3). 1 of the submissions does not count toward it. Last evaluated 2025-12-23.

Conditions:
Autosomal dominant Parkinson disease 8. Also called: LRRK2-Related Parkinson Disease; Parkinson disease 8; Parkinson disease 8, susceptibility to. Identifiers: Orphanet 411602, MedGen C1846862, MONDO:0011764, OMIM 607060.

Allele frequency attached by ClinVar (database versions not stated): ESP Exome Variant Server 0.00015; 1000 Genomes Project 30x 0.00016; 1000 Genomes Project 0.00020; gnomAD exomes 0.00029 and 0.00035; ExAC 0.00033; gnomAD 0.00052 and 0.00060; TOPMed 0.00060.

Submissions (9):

Labcorp Genetics (formerly Invitae), Labcorp
Classification: Likely benign for Autosomal dominant Parkinson disease 8. Last evaluated: 2025-12-23. Review status: criteria provided, single submitter. Criteria: Invitae Variant Classification Sherloc (09022015). Collection method: clinical testing. Allele origin: germline.

Women's Health and Genetics/Laboratory Corporation of America, LabCorp
Classification: Likely benign. Last evaluated: 2025-05-05. Review status: criteria provided, single submitter. Criteria: LabCorp Variant Classification Summary - May 2015. Collection method: clinical testing. Allele origin: germline.
Comment: Variant summary: LRRK2 c.5606T>C (p.Met1869Thr) results in a non-conservative amino acid change in the encoded protein sequence. Algorithms developed to predict the effect of missense changes on protein structure and function are either unavailable or do not agree on the potential impact of this missense change. The variant allele was found at a frequency of 0.00035 in 251286 control chromosomes. The observed variant frequency is approximately 3.5 fold of the estimated maximal expected allele frequency for a pathogenic variant in LRRK2 causing Autosomal dominant Parkinson disease 8 phenotype (0.0001). c.5606T>C has been observed in the presumed heterozygous state in individual(s) affected with Parkinson disease, however it has also been observed in controls (example, Diez-Fairen_2018, Mata_2005, Ross_2011). These report(s) do not provide unequivocal conclusions about association of the variant with Autosomal dominant Parkinson disease 8. At least one publication reports experimental evidence evaluating an impact on protein function in vitro. These results showed no damaging effect of this variant (example, Nichols_2010). The following publications have been ascertained in the context of this evaluation (PMID: 29887346, 16172858, 20642453, 21885347). ClinVar contains an entry for this variant (Variation ID: 39213). Based on the evidence outlined above, the variant was classified as likely benign.

Blueprint Genetics
Classification: Likely benign. Last evaluated: 2024-10-11. Review status: criteria provided, single submitter. Criteria: ACMG Guidelines, 2015. Collection method: clinical testing. Allele origin: germline.

CeGaT Center for Human Genetics Tuebingen
Classification: Benign. Last evaluated: 2022-07-01. Review status: criteria provided, single submitter. Criteria: CeGaT Center For Human Genetics Tuebingen Variant Classification Criteria Version 2. Collection method: clinical testing. Allele origin: germline. Affected: yes. Observed: 1 variant allele.
Comment: LRRK2: BS1, BS2

Baylor Genetics
Classification: Uncertain significance for Autosomal dominant Parkinson disease 8. Last evaluated: 2020-02-13. Review status: criteria provided, single submitter. Criteria: ACMG Guidelines, 2015. Collection method: clinical testing. Allele origin: unknown. Affected: yes.
Comment: This variant was determined to be of uncertain significance according to ACMG Guidelines, 2015 [PMID:25741868].

Mendelics
Classification: Uncertain significance for Autosomal dominant Parkinson disease 8. Last evaluated: 2019-05-28. Review status: criteria provided, single submitter. Criteria: Mendelics Assertion Criteria 2017. Collection method: clinical testing. Allele origin: unknown.

Institute of Human Genetics, University of Leipzig Medical Center
Classification: Uncertain significance for Autosomal dominant Parkinson disease 8. Last evaluated: 2017-10-25. Review status: criteria provided, single submitter. Criteria: ACMG Guidelines, 2015. Collection method: clinical testing. Allele origin: germline. Affected: yes. Observed: 1 variant allele.

Illumina Laboratory Services, Illumina
Classification: Uncertain significance for Autosomal dominant Parkinson disease 8. Last evaluated: 2017-04-27. Review status: criteria provided, single submitter. Criteria: ICSL Variant Classification Criteria 13 December 2019. Collection method: clinical testing. Allele origin: germline.
Comment: This variant was observed as part of a predisposition screen in an ostensibly healthy population. A literature search was performed for the gene, cDNA change, and amino acid change (where applicable). Publications were found based on this search. However, the evidence from the literature, in combination with allele frequency data from public databases where available, was not sufficient to rule this variant in or out of causing disease. Therefore, this variant is classified as a variant of unknown significance.

GeneReviews
No classification provided. Condition: Autosomal dominant Parkinson disease 8. Review status: no classification provided. Collection method: literature only. Allele origin: unknown. Not counted in ClinVar's aggregate classification.

Literature cited by the submitters: PubMed 20642453 (cited by Women's Health and Genetics/Laboratory Corporation of America, LabCorp); PubMed 21885347 (cited by Women's Health and Genetics/Laboratory Corporation of America, LabCorp); PubMed 29887346 (cited by Women's Health and Genetics/Laboratory Corporation of America, LabCorp); PubMed 16172858 (cited by Women's Health and Genetics/Laboratory Corporation of America, LabCorp and Illumina Laboratory Services, Illumina); PubMed 17803033 (cited by Illumina Laboratory Services, Illumina); PubMed 17419834 (cited by Illumina Laboratory Services, Illumina); PubMed 17078063 (cited by Illumina Laboratory Services, Illumina); PubMed 16157908 (cited by Illumina Laboratory Services, Illumina); PubMed 17914064 (cited by Illumina Laboratory Services, Illumina); PubMed 20301387 (cited by GeneReviews); NCBI Bookshelf NBK1208 (cited by GeneReviews).

NM_198578.4(LRRK2):c.5606T>C (p.Met1869Thr)

Gene: LRRK2 (leucine rich repeat kinase 2; plus strand). Cytogenetic location: 12q12.
Variant type: single nucleotide variant.
Coding change: c.5606T>C on transcript NM_198578.4 (MANE Select); coding-DNA position 5606, T replaced by C.
Protein change: p.Met1869Thr; replaces methionine 1869 with threonine.
Molecular consequence: missense variant.
Genome position (GRCh38, 1-based): chr12:40,323,256, T>C. VCF-style: chr12-40323256-T-C. GRCh37 (hg19) VCF-style: chr12-40717058-T-C.
Other names: short protein forms M1869T.
Identifiers: ClinVar variation 39213 (VCV000039213.42), dbSNP rs35602796, ClinGen allele CA343636.